The following is an entry in ClinVar:

ClinVar aggregate classification (germline): Uncertain significance (1 of 4 stars; one submission).

Conditions:
Progressive myoclonic epilepsy. Also called: Familial progressive myoclonic epilepsy; Myoclonic Epilepsies, Progressive; Myoclonus epilepsy; Progressive myoclonus epilepsy. Identifiers: Orphanet 308, Orphanet 98261, MedGen C0751778, MONDO:0020074.

gnomAD v4.1: 6 of 1,529,338 alleles (0.00039%); highest among the groups gnomAD compares: Non-Finnish European, 0.00044%; no homozygotes.

Submission:

Labcorp Genetics (formerly Invitae), Labcorp
Classification: Uncertain significance for Progressive myoclonic epilepsy. Last evaluated: 2020-08-11. Review status: criteria provided, single submitter. Criteria: Invitae Variant Classification Sherloc (09022015). Collection method: clinical testing. Allele origin: germline.
Comment: In summary, the available evidence is currently insufficient to determine the role of this variant in disease. Therefore, it has been classified as a Variant of Uncertain Significance. Algorithms developed to predict the effect of missense changes on protein structure and function (SIFT, PolyPhen-2, Align-GVGD) all suggest that this variant is likely to be tolerated, but these predictions have not been confirmed by published functional studies and their clinical significance is uncertain. The frequency data for this variant in the population databases is considered unreliable, as metrics indicate insufficient coverage at this position in the ExAC database. This sequence change replaces proline with serine at codon 11 of the CSTB protein (p.Pro11Ser). The proline residue is moderately conserved and there is a moderate physicochemical difference between proline and serine. This variant has not been reported in the literature in individuals with CSTB-related conditions.

NM_000100.4(CSTB):c.31C>T (p.Pro11Ser)

Genes: CSTB (cystatin B; minus strand), LOC130066788 (ATAC-STARR-seq lymphoblastoid silent region 13368; plus strand). Cytogenetic location: 21q22.3.
Variant type: single nucleotide variant.
Coding change: c.31C>T on transcript NM_000100.4 (MANE Select); coding-DNA position 31, C replaced by T.
Protein change: p.Pro11Ser; replaces proline 11 with serine.
Molecular consequence: missense variant.
Genome position (GRCh38, 1-based): chr21:43,776,239, G>A on the plus strand (C>T on the coding strand, the complement: CSTB is on the minus strand). VCF-style: chr21-43776239-G-A. GRCh37 (hg19) VCF-style: chr21-45196120-G-A.
Other names: short protein forms P11S.
Identifiers: ClinVar variation 1009881 (VCV001009881.9), dbSNP rs2084009509, ClinGen allele CA410408661.